The following is an entry in ClinVar:

NM_000257.4(MYH7):c.3754T>C (p.Leu1252=)

Gene: MYH7 (myosin heavy chain 7; minus strand). Cytogenetic location: 14q11.2.
Variant type: single nucleotide variant.
Coding change: c.3754T>C on transcript NM_000257.4 (MANE Select); coding-DNA position 3754, T replaced by C.
Protein change: p.Leu1252=; no amino-acid change (leucine 1252 retained).
Molecular consequence: synonymous variant.
Genome position (GRCh38, 1-based): chr14:23,419,582, A>G on the plus strand (T>C on the coding strand, the complement: MYH7 is on the minus strand). VCF-style: chr14-23419582-A-G. GRCh37 (hg19) VCF-style: chr14-23888791-A-G.
Identifiers: ClinVar variation 42972 (VCV000042972.19), dbSNP rs397516193, ClinGen allele CA014051.

ClinVar aggregate classification (germline): Likely benign. Review status: criteria provided, multiple submitters, no conflicts (2 of 4 stars). 6 submissions from 6 submitters: Likely benign (6). Last evaluated 2025-11-12.

Conditions:
MYH7-related disorder. Also called: MYH7-related condition; MYH7-related disease; MYH7-related disorders.
Cardiovascular phenotype. Identifiers: MedGen CN230736.
Cardiomyopathy (CMYO). Also called: Cardiomyopathies. Identifiers: Orphanet 167848, MedGen C0878544, MONDO:0004994, HP:0001638. Inheritance: Various modes of inheritance.
Hypertrophic cardiomyopathy. Also called: HYPERTROPHIC MYOCARDIOPATHY. Identifiers: Orphanet 217569, MedGen C0007194, MeSH D002312, MONDO:0005045, HP:0001639.

Allele frequency attached by ClinVar (database versions not stated): gnomAD exomes below 0.00001.
gnomAD v4.1: 1 of 1,613,442 alleles (0.000062%); highest among the groups gnomAD compares: African/African-American, 0.0013%; no homozygotes.

Submissions (6):

PreventionGenetics, part of Exact Sciences
Classification: Likely benign for MYH7-related condition. Last evaluated: 2025-11-12. Review status: criteria provided, single submitter. Criteria: ACMG Guidelines, 2015. Collection method: clinical testing. Allele origin: germline.
Comment: This variant is classified as likely benign based on ACMG/AMP sequence variant interpretation guidelines (Richards et al. 2015 PMID: 25741868, with internal and published modifications).

Labcorp Genetics (formerly Invitae), Labcorp
Classification: Likely benign for Hypertrophic cardiomyopathy. Last evaluated: 2025-08-16. Review status: criteria provided, single submitter. Criteria: Invitae Variant Classification Sherloc (09022015). Collection method: clinical testing. Allele origin: germline.

All of Us Research Program, National Institutes of Health
Classification: Likely benign for Cardiomyopathy. Last evaluated: 2024-06-09. Review status: criteria provided, single submitter. Criteria: ACMG Guidelines, 2015. Collection method: clinical testing. Allele origin: germline. Inheritance: Autosomal dominant inheritance. Observed: 2 variant alleles, 2 heterozygotes.
Comment: This study involves interpretation of variants in research participants for the purpose of population health screening. Participant phenotype was not available at the time of variant classification. Additional details can be found in publication PMID: 35346344, PMCID: PMC8962531

Ambry Genetics
Classification: Likely benign for Cardiovascular phenotype. Last evaluated: 2020-11-18. Review status: criteria provided, single submitter. Criteria: Ambry Variant Classification Scheme 2023. Collection method: clinical testing. Allele origin: germline.

Color Diagnostics, LLC DBA Color Health
Classification: Likely benign for Cardiomyopathy. Last evaluated: 2019-05-16. Review status: criteria provided, single submitter. Criteria: ACMG Guidelines, 2015. Collection method: clinical testing. Allele origin: germline.

Laboratory for Molecular Medicine, Mass General Brigham Personalized Medicine
Classification: Likely benign. Last evaluated: 2009-02-23. Review status: criteria provided, single submitter. Criteria: LMM Criteria. Collection method: clinical testing. Allele origin: germline. Observed: 1 variant allele.